The following is an entry in ClinVar:

ClinVar aggregate classification (germline): Likely benign (1 of 4 stars; one submission).

Conditions:
Autosomal recessive osteopetrosis 5. Identifiers: Orphanet 85179, MedGen C1968603, MONDO:0009817, OMIM 259720.

Allele frequency attached by ClinVar (database versions not stated): 1000 Genomes Project 30x 0.00219; 1000 Genomes Project 0.00240.

Submission:

Illumina Laboratory Services, Illumina
Classification: Likely benign for Autosomal recessive osteopetrosis 5. Last evaluated: 2018-01-12. Review status: criteria provided, single submitter. Criteria: ICSL Variant Classification Criteria 13 December 2019. Collection method: clinical testing. Allele origin: germline.
Comment: This variant was observed in the ICSL laboratory as part of a predisposition screen in an ostensibly healthy population. It had not been previously curated by ICSL or reported in the Human Gene Mutation Database (HGMD: prior to June 1st, 2018), and was therefore a candidate for classification through an automated scoring system. Utilizing variant allele frequency, disease prevalence and penetrance estimates, and inheritance mode, an automated score was calculated to assess if this variant is too frequent to cause the disease. Based on the score and internal cut-off values, a variant classified as likely benign is not then subjected to further curation. The score for this variant resulted in a classification of likely benign for this disease.

NM_014028.4(OSTM1):c.*2276C>A

Gene: OSTM1 (osteoclastogenesis associated transmembrane protein 1; minus strand). Cytogenetic location: 6q21.
Variant type: single nucleotide variant.
Coding change: c.*2276C>A on transcript NM_014028.4 (MANE Select); 2276 bases downstream of the stop codon, C replaced by A.
Molecular consequence: 3 prime UTR variant.
Genome position (GRCh38, 1-based): chr6:108,042,509, G>T on the plus strand (C>A on the coding strand, the complement: OSTM1 is on the minus strand). VCF-style: chr6-108042509-G-T. GRCh37 (hg19) VCF-style: chr6-108363713-G-T.
Identifiers: ClinVar variation 906694 (VCV000906694.4), dbSNP rs546976371, ClinGen allele CA145657931.